The following is an entry in ClinVar:

ClinVar aggregate classification (germline): Pathogenic/Likely pathogenic. Review status: criteria provided, multiple submitters, no conflicts (2 of 4 stars). 4 submissions from 4 submitters: Pathogenic (3); Likely pathogenic (1). Last evaluated 2026-02-13.

Conditions:
Joubert syndrome. Also called: Familial aplasia of the vermis; JOUBERT-BOLTSHAUSER SYNDROME. Identifiers: Orphanet 475, MedGen C5979921, MONDO:0018772.
Meckel-Gruber syndrome. Also called: Dysencephalia splachnocystica; DYSENCEPHALIA SPLANCHNOCYSTICA; GRUBER SYNDROME. Identifiers: Orphanet 564, MedGen C0265215, MONDO:0018921.
Nephronophthisis. Also called: Juvenile Nephronophthisis. Identifiers: Orphanet 655, MedGen C0687120, MONDO:0019005, HP:0000090.
Bardet-Biedl syndrome 14 (BBS14). Identifiers: Orphanet 110, MedGen C2673874, MONDO:0014442, OMIM 615991.
Meckel syndrome, type 3 (MKS3). Also called: MECKEL-GRUBER SYNDROME, TYPE 3. Identifiers: Orphanet 564, MedGen C1846357, MONDO:0011821, OMIM 607361.
CEP290-related ciliopathy. Also called: CEP290 ciliopathy. Identifiers: MedGen CN305601, MONDO:0100451.

Submissions (4):

Myriad Genetics, Inc.
Classification: Pathogenic for CEP290-related ciliopathy. Last evaluated: 2026-02-13. Review status: criteria provided, single submitter. Criteria: Myriad Autosomal Dominant, Autosomal Recessive and X-Linked Classification Criteria (2023). Collection method: clinical testing. Allele origin: unknown.
Comment: NM_025114.3(CEP290):c.2632dupA(I878Nfs*6) is a frameshift variant classified as pathogenic in the context of CEP290-related disorders. I878Nfs*6 has been observed in cases with relevant disease (PMID: 38219857, 40078074). Relevant functional assessments of this variant are not available in the literature. I878Nfs*6 has been observed in referenced population frequency databases. In summary, NM_025114.3(CEP290):c.2632dupA(I878Nfs*6) is a frameshift variant in a gene where loss of function is a known mechanism of disease, is predicted to disrupt protein function, and has been observed more frequently in cases with the relevant disease than in healthy populations. Please note: this variant was assessed in the context of healthy population screening.

Labcorp Genetics (formerly Invitae), Labcorp
Classification: Pathogenic for Joubert syndrome; Meckel-Gruber syndrome; Nephronophthisis. Last evaluated: 2025-10-21. Review status: criteria provided, single submitter. Criteria: Invitae Variant Classification Sherloc (09022015). Collection method: clinical testing. Allele origin: germline.
Comment: This sequence change creates a premature translational stop signal (p.Ile878Asnfs*6) in the CEP290 gene. It is expected to result in an absent or disrupted protein product. Loss-of-function variants in CEP290 are known to be pathogenic (PMID: 16909394, 17345604, 20690115). The frequency data for this variant in the population databases is considered unreliable, as metrics indicate poor data quality at this position in the gnomAD database. This variant has not been reported in the literature in individuals affected with CEP290-related conditions. ClinVar contains an entry for this variant (Variation ID: 2431201). Algorithms developed to predict the effect of sequence changes on RNA splicing suggest that this variant may disrupt the consensus splice site. For these reasons, this variant has been classified as Pathogenic.

Baylor Genetics
Classification: Likely pathogenic for Bardet-Biedl syndrome 14. Last evaluated: 2023-07-14. Review status: criteria provided, single submitter. Criteria: ACMG Guidelines, 2015. Collection method: clinical testing. Allele origin: unknown.

Department of Maternal-Fetal Biology, National Research Institute for Child Health and Development
Classification: Pathogenic for Meckel syndrome, type 3. Last evaluated: 2022-01-01. Review status: criteria provided, single submitter. Criteria: ACMG Guidelines, 2015. Collection method: research. Allele origin: paternal. Affected: yes. Observed: 1 variant allele.

Literature cited by the submitters: PubMed 38219857 (cited by Myriad Genetics, Inc.); PubMed 40078074 (cited by Myriad Genetics, Inc.); PubMed 16909394 (cited by Labcorp Genetics (formerly Invitae), Labcorp); PubMed 17345604 (cited by Labcorp Genetics (formerly Invitae), Labcorp); PubMed 20690115 (cited by Labcorp Genetics (formerly Invitae), Labcorp).

NM_025114.4(CEP290):c.2632dup (p.Ile878fs)

Gene: CEP290 (centrosomal protein 290; minus strand). Cytogenetic location: 12q21.32.
Variant type: Duplication.
Coding change: c.2632dup on transcript NM_025114.4 (MANE Select); coding-DNA position 2632, one base duplicated (A; older notation c.2632dupA).
Protein change: p.Ile878fs; shifts the reading frame from isoleucine 878.
Molecular consequence: frameshift variant.
Genome position (GRCh38, 1-based): chr12:88,106,860, T duplicated on the plus strand (A on the coding strand, the reverse complement: CEP290 is on the minus strand); the first of 7 consecutive T bases (chr12:88,106,860-88,106,866); duplicating any one gives the same sequence. VCF-style (leftmost placement, unchanged base first): chr12-88106859-A-AT. GRCh37 (hg19) VCF-style: chr12-88500636-A-AT.
Other names: short protein forms I878fs.
Identifiers: ClinVar variation 2431201 (VCV002431201.4), dbSNP rs1404507934, ClinGen allele CA606675732.